The following is an entry in ClinVar:

NM_001165963.4(SCN1A):c.3869T>A (p.Leu1290Ter)

Genes: SCN1A (sodium voltage-gated channel alpha subunit 1; minus strand), LOC102724058 (uncharacterized LOC102724058; plus strand). Cytogenetic location: 2q24.3.
Variant type: single nucleotide variant.
Coding change: c.3869T>A on transcript NM_001165963.4 (MANE Select); coding-DNA position 3869, T replaced by A.
Protein change: p.Leu1290Ter; replaces leucine 1290 with a stop codon.
Molecular consequence: nonsense. On other transcripts: non-coding transcript variant (1).
Genome position (GRCh38, 1-based): chr2:166,012,119, A>T on the plus strand (T>A on the coding strand, the complement: SCN1A is on the minus strand). VCF-style: chr2-166012119-A-T. GRCh37 (hg19) VCF-style: chr2-166868629-A-T.
Other names: c.3785T>A, p.Leu1262Ter (NM_001165964.3, NM_001353957.2, NM_001353958.2); c.3869T>A, p.Leu1290Ter (NM_001202435.3, NM_001353948.2); c.3836T>A, p.Leu1279Ter (NM_001353949.2, NM_001353950.2, NM_001353951.2 and 2 more transcripts); c.3833T>A, p.Leu1278Ter (NM_001353954.2, NM_001353955.2); c.3782T>A, p.Leu1261Ter (NM_001353960.2); c.1427T>A, p.Leu476Ter (NM_001353961.2); short protein forms L1261*, L1262*, L1278*, L1279*, L1290*, L476*.
Identifiers: ClinVar variation 1072726 (VCV001072726.10), dbSNP rs2105591567, ClinGen allele CA349053852.

ClinVar aggregate classification (germline): Pathogenic (1 of 4 stars; one submission).

Conditions:
Early-infantile DEE. Also called: Ohtahara syndrome; Early infantile epileptic encephalopathy with suppression bursts; Early infantile epileptic encephalopathy. Identifiers: Orphanet 1934, MedGen C0393706, MONDO:0800491.

Submission:

Labcorp Genetics (formerly Invitae), Labcorp
Classification: Pathogenic for Early-infantile DEE. Last evaluated: 2022-10-13. Review status: criteria provided, single submitter. Criteria: Invitae Variant Classification Sherloc (09022015). Collection method: clinical testing. Allele origin: germline.
Comment: This sequence change creates a premature translational stop signal (p.Leu1290*) in the SCN1A gene. It is expected to result in an absent or disrupted protein product. Loss-of-function variants in SCN1A are known to be pathogenic (PMID: 17347258, 18930999). This variant is not present in population databases (gnomAD no frequency). For these reasons, this variant has been classified as Pathogenic. ClinVar contains an entry for this variant (Variation ID: 1072726). This premature translational stop signal has been observed in individual(s) with Dravet syndrome (PMID: 28202706).

Literature cited by the submitters: PubMed 17347258; PubMed 18930999; PubMed 28202706.